The following is an entry in ClinVar:

ClinVar aggregate classification (germline): Uncertain significance. Review status: criteria provided, multiple submitters, no conflicts (2 of 4 stars). 3 submissions from 3 submitters: Uncertain significance (3). Last evaluated 2025-11-27.

Conditions:
Muscular dystrophy, limb-girdle, autosomal recessive 23. Identifiers: Orphanet 565837, MedGen C4748327, MONDO:0029136, OMIM 618138.
LAMA2-related muscular dystrophy (LAMA2-RD). Also called: Laminin alpha 2-related dystrophy. Identifiers: MedGen C5679788, MONDO:0100228.

Submissions (3):

Labcorp Genetics (formerly Invitae), Labcorp
Classification: Uncertain significance for LAMA2-related muscular dystrophy. Last evaluated: 2025-11-27. Review status: criteria provided, single submitter. Criteria: Invitae Variant Classification Sherloc (09022015). Collection method: clinical testing. Allele origin: germline.
Comment: This sequence change falls in intron 19 of the LAMA2 gene. It does not directly change the encoded amino acid sequence of the LAMA2 protein. It affects a nucleotide within the consensus splice site. This variant is not present in population databases (gnomAD no frequency). This variant has been observed in individual(s) with LAMA2-related conditions (PMID: 31069529). ClinVar contains an entry for this variant (Variation ID: 2433327). Variants that disrupt the consensus splice site are a relatively common cause of aberrant splicing (PMID: 17576681, 9536098). Algorithms developed to predict the effect of sequence changes on RNA splicing suggest that this variant may disrupt the consensus splice site. In summary, the available evidence is currently insufficient to determine the role of this variant in disease. Therefore, it has been classified as a Variant of Uncertain Significance.

Revvity Omics, Revvity
Classification: Uncertain significance. Last evaluated: 2024-11-06. Review status: criteria provided, single submitter. Criteria: ACMG Guidelines, 2015. Collection method: clinical testing. Allele origin: germline.

Neuberg Centre For Genomic Medicine, NCGM
Classification: Uncertain significance for Muscular dystrophy, limb-girdle, autosomal recessive 23. Review status: criteria provided, single submitter. Criteria: ACMG Guidelines, 2015. Collection method: clinical testing. Allele origin: germline. Inheritance: Autosomal recessive inheritance. Affected: yes.

Literature cited by the submitters: PubMed 31069529 (cited by Labcorp Genetics (formerly Invitae), Labcorp); PubMed 17576681 (cited by Labcorp Genetics (formerly Invitae), Labcorp); PubMed 9536098 (cited by Labcorp Genetics (formerly Invitae), Labcorp).

NM_000426.4(LAMA2):c.2749+4_2749+15del

Gene: LAMA2 (laminin subunit alpha 2; plus strand). Cytogenetic location: 6q22.33.
Variant type: Deletion.
Coding change: c.2749+4_2749+15del on transcript NM_000426.4 (MANE Select); bases 4 to 15 of the intron after coding-DNA position 2749, 12 bases deleted (AGTCCTGAACTA).
Molecular consequence: splice donor variant.
Genome position (GRCh38, 1-based): chr6:129,288,062-129,288,073, AGTCCTGAACTA deleted; deleting any 12 consecutive bases within chr6:129,288,060-129,288,073 gives the same sequence; the c. name uses the placement nearest the transcript's 3' end. VCF-style (leftmost placement, unchanged base first): chr6-129288059-GTAAGTCCTGAAC-G. GRCh37 (hg19) VCF-style: chr6-129609204-GTAAGTCCTGAAC-G.
Other names: c.2749+4_2749+15del (NM_001079823.2).
Identifiers: ClinVar variation 2433327 (VCV002433327.5), dbSNP rs2482293091, ClinGen allele CA2580074922.